The following is an entry in ClinVar:

ClinVar aggregate classification (germline): Likely benign. Review status: criteria provided, multiple submitters, no conflicts (2 of 4 stars). 2 submissions from 2 submitters: Likely benign (2). Last evaluated 2026-09-17.

Conditions:
Tall stature-scoliosis-macrodactyly of the great toes syndrome. Also called: Epiphyseal chondrodysplasia, miura type. Identifiers: Orphanet 329191, MedGen C4014690, MONDO:0014401, OMIM 615923.
Acromesomelic dysplasia 1, Maroteaux type (AMD1). Also called: ST. HELENA DYSPLASIA; ACROMESOMELIC DYSPLASIA 1. Identifiers: Orphanet 40, MedGen C1864356, MONDO:0011275, OMIM 602875.
NPR2-related disorder. Also called: NPR2-related disorders; NPR2-related condition.

Allele frequency attached by ClinVar (database versions not stated): ExAC 0.00005; gnomAD exomes 0.00005; gnomAD 0.00006; TOPMed 0.00007.

Submissions (2):

PreventionGenetics, part of Exact Sciences
Classification: Likely benign for NPR2-related condition. Last evaluated: 2026-09-17. Review status: criteria provided, single submitter. Criteria: ACMG Guidelines, 2015. Collection method: clinical testing. Allele origin: germline.
Comment: This variant is classified as likely benign based on ACMG/AMP sequence variant interpretation guidelines (Richards et al. 2015 PMID: 25741868, with internal and published modifications).

Labcorp Genetics (formerly Invitae), Labcorp
Classification: Likely benign for Tall stature-scoliosis-macrodactyly of the great toes syndrome; Acromesomelic dysplasia 1, Maroteaux type. Last evaluated: 2025-08-18. Review status: criteria provided, single submitter. Criteria: Invitae Variant Classification Sherloc (09022015). Collection method: clinical testing. Allele origin: germline.

NM_003995.4(NPR2):c.681C>T (p.Cys227=)

Gene: NPR2 (natriuretic peptide receptor 2; plus strand). Cytogenetic location: 9p13.3.
Variant type: single nucleotide variant.
Coding change: c.681C>T on transcript NM_003995.4 (MANE Select); coding-DNA position 681, C replaced by T.
Protein change: p.Cys227=; no amino-acid change (cysteine 227 retained).
Molecular consequence: synonymous variant.
Genome position (GRCh38, 1-based): chr9:35,793,911, C>T. VCF-style: chr9-35793911-C-T. GRCh37 (hg19) VCF-style: chr9-35793908-C-T.
Other names: c.681C>T, p.Cys227= (NM_001378923.1); c.681C>T (NM_003995.3).
Identifiers: ClinVar variation 2197798 (VCV002197798.5), dbSNP rs780884094, ClinGen allele CA5051499.